The following is an entry in ClinVar:

ClinVar aggregate classification (germline): Likely benign (1 of 4 stars; one submission).

Allele frequency attached by ClinVar (database versions not stated): TOPMed 0.00001; gnomAD 0.00003 and 0.00004.

Submission:

GeneDx
Classification: Likely benign. Last evaluated: 2016-06-20. Review status: criteria provided, single submitter. Criteria: GeneDx Variant Classification (06012015). Collection method: clinical testing. Allele origin: germline. Affected: yes.
Comment: This variant is considered likely benign or benign based on one or more of the following criteria: it is a conservative change, it occurs at a poorly conserved position in the protein, it is predicted to be benign by multiple in silico algorithms, and/or has population frequency not consistent with disease.

NM_001130438.3(SPTAN1):c.-4+17G>A

Genes: SPTAN1 (spectrin alpha, non-erythrocytic 1; plus strand), LOC130002712 (ATAC-STARR-seq lymphoblastoid silent region 20345; plus strand). Cytogenetic location: 9q34.11.
Variant type: single nucleotide variant.
Coding change: c.-4+17G>A on transcript NM_001130438.3 (MANE Select); 17 bases into the intron after 4 bases upstream of the start codon, G replaced by A.
Molecular consequence: intron variant.
Genome position (GRCh38, 1-based): chr9:128,552,713, G>A. VCF-style: chr9-128552713-G-A. GRCh37 (hg19) VCF-style: chr9-131314992-G-A.
Other names: c.-4+17G>A (NM_001363759.2, NM_003127.4, NM_001363765.2 and 1 more transcripts).
Identifiers: ClinVar variation 386969 (VCV000386969.1), dbSNP rs910870737, ClinGen allele CA16605605.